The following is an entry in ClinVar:

ClinVar aggregate classification (germline): Uncertain significance. Review status: criteria provided, multiple submitters, no conflicts (2 of 4 stars). 3 submissions from 3 submitters: Uncertain significance (3). Last evaluated 2025-07-19.

Conditions:
TTC21B-related disorder. Also called: TTC21B-related condition; TTC21B-related disorders.
Jeune thoracic dystrophy. Also called: Jeune syndrome; Infantile thoracic dystrophy; Thoracic pelvic phalangeal dystrophy; Jeune's syndrome; Chondroectodermal dysplasia-like syndrome; Short-rib thoracic dysplasia. Identifiers: Orphanet 474, MedGen C0265275, MONDO:0018770.
Nephronophthisis. Also called: Juvenile Nephronophthisis. Identifiers: Orphanet 655, MedGen C0687120, MONDO:0019005, HP:0000090.

Allele frequency attached by ClinVar (database versions not stated): ExAC 0.00002.
gnomAD v4.1: 30 of 1,613,698 alleles (0.0019%); highest among the groups gnomAD compares: East Asian, 0.0045%; no homozygotes.

Submissions (3):

PreventionGenetics, part of Exact Sciences
Classification: Uncertain significance for TTC21B-related condition. Last evaluated: 2025-07-19. Review status: criteria provided, single submitter. Criteria: ACMG Guidelines, 2015. Collection method: clinical testing. Allele origin: germline.
Comment: The TTC21B c.3368G>A variant is predicted to result in the amino acid substitution p.Arg1123His. To our knowledge, this variant has not been reported in the literature. This variant is reported in 0.0018% of alleles in individuals of European (Non-Finnish) descent in gnomAD. At this time, the clinical significance of this variant is uncertain due to the absence of conclusive functional and genetic evidence.

Labcorp Genetics (formerly Invitae), Labcorp
Classification: Uncertain significance for Jeune thoracic dystrophy; Nephronophthisis. Last evaluated: 2025-01-02. Review status: criteria provided, single submitter. Criteria: Invitae Variant Classification Sherloc (09022015). Collection method: clinical testing. Allele origin: germline.
Comment: This sequence change replaces arginine, which is basic and polar, with histidine, which is basic and polar, at codon 1123 of the TTC21B protein (p.Arg1123His). This variant is present in population databases (rs773696688, gnomAD 0.002%). This variant has not been reported in the literature in individuals affected with TTC21B-related conditions. ClinVar contains an entry for this variant (Variation ID: 1985751). Invitae Evidence Modeling of protein sequence and biophysical properties (such as structural, functional, and spatial information, amino acid conservation, physicochemical variation, residue mobility, and thermodynamic stability) indicates that this missense variant is not expected to disrupt TTC21B protein function with a negative predictive value of 95%. In summary, the available evidence is currently insufficient to determine the role of this variant in disease. Therefore, it has been classified as a Variant of Uncertain Significance.

Blueprint Genetics
Classification: Uncertain significance. Last evaluated: 2024-08-28. Review status: criteria provided, single submitter. Criteria: ACMG Guidelines, 2015. Collection method: clinical testing. Allele origin: germline.

NM_024753.5(TTC21B):c.3368G>A (p.Arg1123His)

Gene: TTC21B (tetratricopeptide repeat domain 21B; minus strand). Cytogenetic location: 2q24.3.
Variant type: single nucleotide variant.
Coding change: c.3368G>A on transcript NM_024753.5 (MANE Select); coding-DNA position 3368, G replaced by A.
Protein change: p.Arg1123His; replaces arginine 1123 with histidine.
Molecular consequence: missense variant.
Genome position (GRCh38, 1-based): chr2:165,888,370, C>T on the plus strand (G>A on the coding strand, the complement: TTC21B is on the minus strand). VCF-style: chr2-165888370-C-T. GRCh37 (hg19) VCF-style: chr2-166744880-C-T.
Other names: c.3368G>A (NM_024753.4); short protein forms R1123H.
Identifiers: ClinVar variation 1985751 (VCV001985751.6), dbSNP rs773696688, ClinGen allele CA1941525.